The following is an entry in ClinVar:

NM_004462.5(FDFT1):c.634C>G (p.Gln212Glu)

Gene: FDFT1 (farnesyl-diphosphate farnesyltransferase 1). Cytogenetic location: 8p23.1.
Variant type: single nucleotide variant.
Coding change: c.634C>G on transcript NM_004462.5 (MANE Select); coding-DNA position 634, C replaced by G.
Protein change: p.Gln212Glu; replaces glutamine 212 with glutamic acid.
Molecular consequence: missense variant.
Genome position (GRCh38, 1-based): chr8:11,826,147, C>G. VCF-style: chr8-11826147-C-G. GRCh37 (hg19) VCF-style: chr8-11683656-C-G.
Other names: c.634C>G, p.Gln212Glu (NM_001287742.2, NM_001287743.2); c.442C>G, p.Gln148Glu (NM_001287744.2, NM_001287745.2, NM_001287747.2 and 2 more transcripts); c.811C>G, p.Gln271Glu (NM_001287750.2); c.379C>G, p.Gln127Glu (NM_001287751.2); c.133C>G, p.Gln45Glu (NM_001287756.2); short protein forms Q127E, Q148E, Q212E, Q271E, Q45E.
Identifiers: ClinVar variation 5019330 (VCV005019330.2).

ClinVar aggregate classification (germline): Uncertain significance (1 of 4 stars; one submission).

Conditions:
Squalene synthase deficiency. Also called: NEURODEVELOPMENTAL DISORDER WITH LOW CHOLESTEROL AND ABNORMAL URINE ORGANIC ACIDS. Identifiers: MedGen C4748427, MONDO:0032566, OMIM 618156.

Submission:

Juno Genomics, Hangzhou Juno Genomics, Inc
Classification: Uncertain significance for Squalene synthase deficiency. Review status: criteria provided, single submitter. Criteria: ACMG Guidelines, 2015. Collection method: clinical testing. Allele origin: germline.
Comment: Absent from controls (or at extremely low frequency if recessive) in Genome Aggregation Database.;Multiple lines of computational evidence support a deleterious effect on the gene or gene product.